The following is an entry in ClinVar:

NM_014014.5(SNRNP200):c.5071G>A (p.Ala1691Thr)

Genes: SNRNP200 (small nuclear ribonucleoprotein U5 subunit 200; minus strand), LOC126806272 (BRD4-independent group 4 enhancer GRCh37_chr2:96944520-96945719; plus strand). Cytogenetic location: 2q11.2.
Variant type: single nucleotide variant.
Coding change: c.5071G>A on transcript NM_014014.5 (MANE Select); coding-DNA position 5071, G replaced by A.
Protein change: p.Ala1691Thr; replaces alanine 1691 with threonine.
Molecular consequence: missense variant.
Genome position (GRCh38, 1-based): chr2:96,279,513, C>T on the plus strand (G>A on the coding strand, the complement: SNRNP200 is on the minus strand). VCF-style: chr2-96279513-C-T. GRCh37 (hg19) VCF-style: chr2-96945251-C-T.
Other names: short protein forms A1691T.
Identifiers: ClinVar variation 4777220 (VCV004777220.1).

ClinVar aggregate classification (germline): Uncertain significance (1 of 4 stars; one submission).

gnomAD v4.1: 6 of 1,614,088 alleles (0.00037%); highest among the groups gnomAD compares: Non-Finnish European, 0.00051%; no homozygotes.

Submission:

Labcorp Genetics (formerly Invitae), Labcorp
Classification: Uncertain significance. Last evaluated: 2025-07-23. Review status: criteria provided, single submitter. Criteria: Invitae Variant Classification Sherloc (09022015). Collection method: clinical testing. Allele origin: germline.
Comment: This sequence change replaces alanine, which is neutral and non-polar, with threonine, which is neutral and polar, at codon 1691 of the SNRNP200 protein (p.Ala1691Thr). This variant is not present in population databases (gnomAD no frequency). This variant has not been reported in the literature in individuals affected with SNRNP200-related conditions. Invitae Evidence Modeling of protein sequence and biophysical properties (such as structural, functional, and spatial information, amino acid conservation, physicochemical variation, residue mobility, and thermodynamic stability) has been performed for this missense variant. However, the output from this modeling did not meet the statistical confidence thresholds required to predict the impact of this variant on SNRNP200 protein function. In summary, the available evidence is currently insufficient to determine the role of this variant in disease. Therefore, it has been classified as a Variant of Uncertain Significance.